The following continues an entry in ClinVar:

NM_002834.5(PTPN11):c.417G>C (p.Glu139Asp)

Gene: PTPN11. ClinVar aggregate classification (germline): Pathogenic. Pathogenic (1).

Submissions 22 to 34 of 50:

Dasa
Classification: Pathogenic for Noonan syndrome. Last evaluated: 2022-03-05. Review status: criteria provided, single submitter. Criteria: ACMG Guidelines, 2015. Collection method: clinical testing. Allele origin: germline. Affected: yes. Observed: 1 variant allele. Not counted in ClinVar's aggregate classification.
Comment: Same amino acid change as a previously established pathogenic variant regardless of nucleotide change (ClinVar ID: 40512 - c.417G>T;p.(Glu139Asp)) PS1.Well-established in vitro or in vivo functional studies supportive of a damaging effect on the gene or gene product (PMID: 23584145; 15987685) - The c.417G>C;p.(Glu139Asp) missense variant has been observed in affected individual(s) and ClinVar contains an entry for this variant (ClinVar ID: 40513; PMID: 22315187; PMID: 17020470; PMID: 11992261) - PS4. The variant is located in a mutational hot spot and/or critical and well-established functional domain (SH2) - PM1. This variant is not present in population databases (rs397507520- gnomAD; ABraOM no frequency) - PM2. Missense variant in PTPN11 that has a low rate of benign missense variation and in which missense variants are a common mechanism of disease - PP2. Multiple lines of computational evidence support a deleterious effect on the gene or gene product - PP3. In summary, the currently available evidence indicates that the variant is pathogenic.

GeneDx
Classification: Pathogenic. Last evaluated: 2022-01-10. Review status: criteria provided, single submitter. Criteria: GeneDx Variant Classification Process June 2021. Collection method: clinical testing. Allele origin: germline. Affected: yes. Not counted in ClinVar's aggregate classification.
Comment: Published functional studies demonstrate the p.(E139D) variant alters the specificity of the C-SH2 domain, making it similar to that of the N-SH2 domain, ultimately leading to functional dysregulation (Keilhack et al., 2005; Martinelli et al., 2008); Not observed in large population cohorts (gnomAD); In silico analysis supports that this missense variant has a deleterious effect on protein structure/function; Missense variants in this gene are often considered pathogenic (HGMD); This variant is associated with the following publications: (PMID: 11992261, 23584145, 26377682, 26855057, 23321623, 20308328, 24628801, 18372317, 25585602, 12634870, 16358218, 24072241, 15710330, 22315187, 24803665, 28363362, 26918529, 21407260, 19020799, 17339163, 29500832, 21901340, 30293248, 30417923, 30050098, 30410095, 29907801, 31219622, 31560489, 32164556, 32581362, 32978145, 33619735, 34134972, 29493581, 15987685)

Fulgent Genetics
Classification: Pathogenic for LEOPARD syndrome 1; Metachondromatosis; Noonan syndrome 1; Juvenile myelomonocytic leukemia. Last evaluated: 2021-07-17. Review status: criteria provided, single submitter. Criteria: ACMG Guidelines, 2015. Collection method: clinical testing. Allele origin: unknown. Not counted in ClinVar's aggregate classification.

Revvity Omics, Revvity
Classification: Pathogenic. Last evaluated: 2021-07-08. Review status: criteria provided, single submitter. Criteria: ACMG Guidelines, 2015. Collection method: clinical testing. Allele origin: germline. Not counted in ClinVar's aggregate classification.

Ambry Genetics
Classification: Pathogenic for Cardiovascular phenotype. Last evaluated: 2021-04-16. Review status: criteria provided, single submitter. Criteria: Ambry Variant Classification Scheme 2023. Collection method: clinical testing. Allele origin: germline. Not counted in ClinVar's aggregate classification.
Comment: The p.E139D pathogenic mutation (also known as c.417G>C) is located in coding exon 4 of the PTPN11 gene. This alteration results from a G to C substitution at nucleotide position 417. The glutamic acid at codon 139 is replaced by aspartic acid. This alteration, and another nucleotide change resulting in the same amino acid substitution (c.417G>T), have been detected in multiple individuals reported to have Noonan syndrome or suspected Noonan syndrome, having been reported as occurring de novo in at least one case (Tartaglia M et al. Am J Hum Genet. 2002;70:1555-63; Jongmans M et al. Horm Res. 2004;62 Suppl 3:56-9; Bakker M. Prenat Diagn. 2011;31:833-40; Nair S et al. Pediatr Blood Cancer. 2015;62:1084-6; Chinton J et al. Arch Argent Pediatr, 2019 10;117:330-337; Athota JP et al. BMC Med Genet, 2020 03;21:50). Some individuals with this alteration were also reported to develop leukemia (JPauli S et al. Am J Med Genet. 2012;158A:652-8; Park HD et al. Ann Hematol. 2012;91:511-7). In addition, this alteration was determined to be the result of de novo mutation or germline mosaicism through whole exome sequencing in 3 families with isolated cases of Noonan syndrome (Ambry internal data). Furthermore, a functional study found this mutation altered the binding specificity of the C-SH2 domain so that they were similar to the N-SH2 domain and increased the phosphopeptide binding affinity (Martinelli S et al. Hum Mol Genet. 2008;17(13):2018-29). Based on the supporting evidence, this alteration is interpreted as a disease-causing mutation.

Genome Diagnostics Laboratory, The Hospital for Sick Children
Classification: Pathogenic for Noonan syndrome and Noonan-related syndrome. Last evaluated: 2020-10-14. Review status: criteria provided, single submitter. Criteria: ACMG Guidelines, 2015. Collection method: clinical testing. Allele origin: germline. Affected: yes. Not counted in ClinVar's aggregate classification.

Athena Diagnostics
Classification: Pathogenic. Last evaluated: 2020-09-01. Review status: criteria provided, single submitter. Criteria: Athena Diagnostics Criteria. Collection method: clinical testing. Allele origin: unknown. Not counted in ClinVar's aggregate classification.
Comment: Furthermore, it has been reported in multiple unrelated symptomatic individuals (PMID: 30417923, 31560489, 28363362, 29907801, 19020799). This variant has not been reported in large, multi-ethnic general populations. Assessment of experimental evidence suggests this variant results in abnormal protein function (PMID: 18372317).This observation is not an independent occurrence and has been identified in the same individual by RCIGM, the other laboratory participating in the GEMINI study.

Rady Children's Institute for Genomic Medicine, Rady Children's Hospital San Diego
Classification: Pathogenic for PTPN11-Related Disorders. Last evaluated: 2020-08-22. Review status: criteria provided, single submitter. Criteria: ACMG Guidelines, 2015. Collection method: clinical testing. Allele origin: germline. Affected: yes. Not counted in ClinVar's aggregate classification.
Comment: This variant has been previously reported as a de novo or heterozygous change in patients with PTPN11-related disorders (PMID: 11992261, 22315187, 19020799, 17339163, 32164556, 28363362). Functional studies have reported that the variant alters the specificity of the C-SH2 domain ultimately leading to functional dysregulation and increased PTPN11 activation (PMID: 18372317, 23584145). It is absent from the gnomAD population database and thus is presumed to be rare. The c.417G>C (p.Glu139Asp) variant affects a highly conserved amino acid and is predicted by multiple in silico tools to have a deleterious effect on protein function. Analysis of the parental samples was negative for the variant, indicating this variant likely occurred as a de novo event. Based on the available evidence, the c.417G>C (p.Glu139Asp) variant is classified as Pathogenic.

Laboratory for Molecular Medicine, Mass General Brigham Personalized Medicine
Classification: Pathogenic for Noonan syndrome; Juvenile myelomonocytic leukemia. Last evaluated: 2018-12-07. Review status: criteria provided, single submitter. Criteria: LMM Criteria. Collection method: clinical testing. Allele origin: germline. Inheritance: Autosomal dominant inheritance. Observed: 29 variant alleles. Not counted in ClinVar's aggregate classification.
Comment: The p.Glu139Asp variant in PTPN11 has been identified in many individuals with c linical features of Noonan syndrome, one individual with clinical features of No onan syndrome and acute lymphoblastic leukemia, and one individual with juvenile myelomonocytic leukemia (Ko 2008, Karow 2007, Tartaglia 2002, Chan 2006, Loh 20 04, Bertola 2006, Hung 2007, Lo 2009, LMM unpublished data). This variant has be en reported to have segregated in familial cases and to have occurred de novo as well. In summary, this variant meets our criteria to be classified as pathogeni c. ACMG/AMP criteria applied: PS4, PM2, PM6, PP2, PP1.

Molecular Genetics Laboratory, BC Children's and BC Women's Hospitals
Classification: Pathogenic for Noonan syndrome 1. Last evaluated: 2018-03-01. Review status: criteria provided, single submitter. Criteria: ACMG Guidelines, 2015. Collection method: clinical testing. Allele origin: de novo. Affected: yes. Not counted in ClinVar's aggregate classification.

Blueprint Genetics
Classification: Pathogenic. Last evaluated: 2017-09-05. Review status: criteria provided, single submitter. Criteria: Blueprint Genetics Variant Classification Scheme. Collection method: clinical testing. Allele origin: germline. Affected: yes. Not counted in ClinVar's aggregate classification.

Women's Health and Genetics/Laboratory Corporation of America, LabCorp
Classification: Pathogenic for Noonan syndrome 3. Last evaluated: 2017-08-28. Review status: criteria provided, single submitter. Criteria: LabCorp Variant Classification Summary - May 2015. Collection method: clinical testing. Allele origin: germline. Not counted in ClinVar's aggregate classification.
Comment: Variant summary: The PTPN11 c.417G>C (p.Glu139Asp) variant causes a missense change involving the alteration of a conserved nucleotide located in the SH2 domain (IPR000980) (InterPro). 3/4 in silico tools predict a damaging outcome for this variant (SNPsandGO not captured due to low reliability index). Functional studies demonstrated the SHP2-D139E mutant to exhibit dramatically enhanced catalytic activation (3.5-fold), significant increase in phosphopeptide binding affinity of PTPN11, and approximately 4-fold increase in phosphatase activity after stimulation (Martinelli_2008, Tartaglia_2006). These findings from functional studies further corroborate the established molecular mechanism of disease (Gain of Function) attributed to pathogenic variants in the PTPN11 gene. The variant is absent in the control population datasets of ExAC in 121798 control chromosomes. This variant was reported in multiple patients with Noonan syndrome (Tartaglia_2006, Bertola_2006, Musante_2003). In addition, multiple clinical diagnostic laboratories/reputable databases classified this variant as pathogenic. Taken together, this variant is classified as pathogenic.

Centre for Mendelian Genomics, University Medical Centre Ljubljana
Classification: Pathogenic for Hypertrophic cardiomyopathy. Last evaluated: 2017-01-01. Review status: criteria provided, single submitter. Criteria: ACMG Guidelines, 2015. Collection method: clinical testing. Allele origin: unknown. Affected: yes. Not counted in ClinVar's aggregate classification.